The following is an entry in ClinVar:

ClinVar aggregate classification (germline): Uncertain significance. Review status: criteria provided, multiple submitters, no conflicts (2 of 4 stars). 4 submissions from 4 submitters: Uncertain significance (4). Last evaluated 2025-03-11.

Conditions:
Hereditary cancer-predisposing syndrome. Also called: Hereditary neoplastic syndrome; Neoplastic Syndromes, Hereditary; Tumor predisposition; Hereditary Cancer Syndrome. Identifiers: Orphanet 140162, MedGen C0027672, MeSH D009386, MONDO:0015356.

Allele frequency attached by ClinVar (database versions not stated): gnomAD exomes 0.00001; ExAC 0.00002; TOPMed 0.00002.
gnomAD v4.1: 2 of 1,610,996 alleles (0.00012%); highest among the groups gnomAD compares: East Asian, 0.0045%; no homozygotes.

Submissions (4):

Labcorp Genetics (formerly Invitae), Labcorp
Classification: Uncertain significance. Last evaluated: 2025-03-11. Review status: criteria provided, single submitter. Criteria: Invitae Variant Classification Sherloc (09022015). Collection method: clinical testing. Allele origin: germline.
Comment: This sequence change replaces isoleucine, which is neutral and non-polar, with methionine, which is neutral and non-polar, at codon 1336 of the POLE protein (p.Ile1336Met). This variant is present in population databases (rs780795309, gnomAD 0.01%). This variant has not been reported in the literature in individuals affected with POLE-related conditions. ClinVar contains an entry for this variant (Variation ID: 835836). An algorithm developed to predict the effect of missense changes on protein structure and function (PolyPhen-2) suggests that this variant is likely to be disruptive. In summary, the available evidence is currently insufficient to determine the role of this variant in disease. Therefore, it has been classified as a Variant of Uncertain Significance.

GeneDx
Classification: Uncertain significance. Last evaluated: 2024-09-16. Review status: criteria provided, single submitter. Criteria: GeneDx Variant Classification Process June 2021. Collection method: clinical testing. Allele origin: germline. Affected: yes.
Comment: Not observed at significant frequency in large population cohorts (gnomAD); In silico analysis indicates that this missense variant does not alter protein structure/function; Has not been previously published as pathogenic or benign to our knowledge

Ambry Genetics
Classification: Uncertain significance for Hereditary cancer-predisposing syndrome. Last evaluated: 2024-02-23. Review status: criteria provided, single submitter. Criteria: Ambry Variant Classification Scheme 2023. Collection method: clinical testing. Allele origin: germline.
Comment: The p.I1336M variant (also known as c.4008C>G), located in coding exon 32 of the POLE gene, results from a C to G substitution at nucleotide position 4008. The isoleucine at codon 1336 is replaced by methionine, an amino acid with highly similar properties. This amino acid position is conserved. In addition, the in silico prediction for this alteration is inconclusive. Since supporting evidence is limited at this time, the clinical significance of this alteration remains unclear.

Breakthrough Genomics
Classification: Uncertain significance. Review status: criteria provided, single submitter. Criteria: ACMG Guidelines, 2015. Collection method: not provided. Allele origin: germline. Inheritance: Autosomal recessive inheritance. Affected: yes.

NM_006231.4(POLE):c.4008C>G (p.Ile1336Met)

Gene: POLE (DNA polymerase epsilon, catalytic subunit; minus strand). Cytogenetic location: 12q24.33.
Variant type: single nucleotide variant.
Coding change: c.4008C>G on transcript NM_006231.4 (MANE Select); coding-DNA position 4008, C replaced by G.
Protein change: p.Ile1336Met; replaces isoleucine 1336 with methionine.
Molecular consequence: missense variant.
Genome position (GRCh38, 1-based): chr12:132,649,070, G>C on the plus strand (C>G on the coding strand, the complement: POLE is on the minus strand). VCF-style: chr12-132649070-G-C. GRCh37 (hg19) VCF-style: chr12-133225656-G-C.
Other names: short protein forms I1336M.
Identifiers: ClinVar variation 835836 (VCV000835836.12), dbSNP rs780795309, ClinGen allele CA6893018.
Genomic context (GRCh38, chr12:132,649,070, plus strand): 5'-GTGCAAGTCACTGCCAACGAGCGCCCACAGCCTGAACAGGCCGGCCTGGCTGGTCTCGCT[G>C]ATCTGAAAGGCCACACGGACATACAGCACATCACAGGACACACTGGAACCCACAGACGGG-3'
Protein context (NP_006222.2, residues 1326-1346): ILDLPWQIVQ[Ile1336Met]SETSQAGLFR